The following is an entry in ClinVar:

ClinVar aggregate classification (germline): Uncertain significance. Review status: criteria provided, multiple submitters, no conflicts (2 of 4 stars). 2 submissions from 2 submitters: Uncertain significance (2). Last evaluated 2025-06-23.

Allele frequency attached by ClinVar (database versions not stated): gnomAD exomes below 0.00001 and 0.00001; gnomAD 0.00001; TOPMed 0.00001.
gnomAD v4.1: 3 of 1,551,766 alleles (0.00019%); highest among the groups gnomAD compares: African/African-American, 0.0041%; no homozygotes.

Submissions (2):

Ambry Genetics
Classification: Uncertain significance. Last evaluated: 2025-06-23. Review status: criteria provided, single submitter. Criteria: Ambry Variant Classification Scheme 2023. Collection method: clinical testing. Allele origin: germline.

Labcorp Genetics (formerly Invitae), Labcorp
Classification: Uncertain significance. Last evaluated: 2025-01-07. Review status: criteria provided, single submitter. Criteria: Invitae Variant Classification Sherloc (09022015). Collection method: clinical testing. Allele origin: germline.
Comment: This sequence change replaces valine, which is neutral and non-polar, with leucine, which is neutral and non-polar, at codon 359 of the DTHD1 protein (p.Val359Leu). This variant is present in population databases (no rsID available, gnomAD 0.01%). This variant has not been reported in the literature in individuals affected with DTHD1-related conditions. ClinVar contains an entry for this variant (Variation ID: 953817). An algorithm developed to predict the effect of missense changes on protein structure and function (PolyPhen-2) suggests that this variant is likely to be tolerated. In summary, the available evidence is currently insufficient to determine the role of this variant in disease. Therefore, it has been classified as a Variant of Uncertain Significance.

NM_001170700.3(DTHD1):c.1945G>C (p.Val649Leu)

Gene: DTHD1 (death domain containing 1; plus strand). Cytogenetic location: 4p14.
Variant type: single nucleotide variant.
Coding change: c.1945G>C on transcript NM_001170700.3 (MANE Select); coding-DNA position 1945, G replaced by C.
Protein change: p.Val649Leu; replaces valine 649 with leucine.
Molecular consequence: missense variant. On other transcripts: non-coding transcript variant (2).
Genome position (GRCh38, 1-based): chr4:36,308,343, G>C. VCF-style: chr4-36308343-G-C. GRCh37 (hg19) VCF-style: chr4-36309965-G-C.
Other names: c.1075G>C, p.Val359Leu (NM_001136536.5); c.1012G>C, p.Val338Leu (NM_001378435.1); c.1570G>C (NM_001170700.1); short protein forms V359L, V338L, V649L.
Identifiers: ClinVar variation 953817 (VCV000953817.10), dbSNP rs1213359729, ClinGen allele CA356680962.